The following is an entry in ClinVar:

NM_004453.4(ETFDH):c.1591C>T (p.His531Tyr)

Gene: ETFDH (electron transfer flavoprotein dehydrogenase; plus strand). Cytogenetic location: 4q32.1.
Variant type: single nucleotide variant.
Coding change: c.1591C>T on transcript NM_004453.4 (MANE Select); coding-DNA position 1591, C replaced by T.
Protein change: p.His531Tyr; replaces histidine 531 with tyrosine.
Molecular consequence: missense variant.
Genome position (GRCh38, 1-based): chr4:158,706,751, C>T. VCF-style: chr4-158706751-C-T. GRCh37 (hg19) VCF-style: chr4-159627903-C-T.
Other names: c.1450C>T, p.His484Tyr (NM_001281737.2); c.1408C>T, p.His470Tyr (NM_001281738.1); short protein forms H470Y, H484Y, H531Y.
Identifiers: ClinVar variation 5040381 (VCV005040381.1).
Genomic context (GRCh38, chr4:158,706,751, plus strand): 5'-GATGGACAGATCAGTTTTGACCTCTTGTCATCTGTGGCTCTGAGTGGTACTAATCATGAA[C>T]ATGACCAGCCGGCACACTTAACCTTAAGGGATGACAGTATACCTGTAAATAGAAATCTGT-3'
Protein context (NP_004444.2, residues 521-541): SVALSGTNHE[His531Tyr]DQPAHLTLRD

ClinVar aggregate classification (germline): Uncertain significance (1 of 4 stars; one submission).

gnomAD v4.1: 3 of 1,613,666 alleles (0.00019%); highest among the groups gnomAD compares: Admixed American, 0.0033%; no homozygotes.

Submission:

CeGaT Center for Human Genetics Tuebingen
Classification: Uncertain significance. Last evaluated: 2026-08-01. Review status: criteria provided, single submitter. Criteria: CeGaT Center For Human Genetics Tuebingen Variant Classification Criteria Version 2. Collection method: clinical testing. Allele origin: germline. Affected: yes. Observed: 1 variant allele.
Comment: ETFDH: PM2, PP3